The following is an entry in ClinVar:

NM_020919.4(ALS2):c.4177G>A (p.Val1393Met)

Gene: ALS2 (alsin Rho guanine nucleotide exchange factor ALS2; minus strand). Cytogenetic location: 2q33.1.
Variant type: single nucleotide variant.
Coding change: c.4177G>A on transcript NM_020919.4 (MANE Select); coding-DNA position 4177, G replaced by A.
Protein change: p.Val1393Met; replaces valine 1393 with methionine.
Molecular consequence: missense variant.
Genome position (GRCh38, 1-based): chr2:201,709,984, C>T on the plus strand (G>A on the coding strand, the complement: ALS2 is on the minus strand). VCF-style: chr2-201709984-C-T. GRCh37 (hg19) VCF-style: chr2-202574707-C-T.
Other names: short protein forms V1393M.
Identifiers: ClinVar variation 1022297 (VCV001022297.6), dbSNP rs757128191, ClinGen allele CA2057646.
Genomic context (GRCh38, chr2:201,709,984, plus strand): 5'-TTACAGCCTCCTGCAATAACCTGCGGTTGGCTCCTACGCCCACGTATGTCATTCTATACA[C>T]TGCAACCAGTGTCTCCACAAGCCTGCCCAGGGGGTGCAGAGGAGTGTCACAGGCCTGAGT-3'
Protein context (NP_065970.2, residues 1383-1403): LGRLVETLVA[Val1393Met]YRMTYVGVGA

ClinVar aggregate classification (germline): Uncertain significance (1 of 4 stars; one submission).

Conditions:
Infantile-onset ascending hereditary spastic paralysis (IAHSP). Also called: Infantile-Onset Ascending Hereditary Spastic Paralysis (IAHSP); Autosomal Recessive Juvenile Amyotrophic Lateral Sclerosis. Identifiers: Orphanet 293168, MedGen C2931441, MONDO:0011797, OMIM 607225. Disease mechanism: loss of function.

Allele frequency attached by ClinVar (database versions not stated): gnomAD 0.00001; gnomAD exomes 0.00001 and 0.00002; TOPMed 0.00002; ExAC 0.00003.

Submission:

Labcorp Genetics (formerly Invitae), Labcorp
Classification: Uncertain significance for Infantile-onset ascending hereditary spastic paralysis. Last evaluated: 2021-09-01. Review status: criteria provided, single submitter. Criteria: Invitae Variant Classification Sherloc (09022015). Collection method: clinical testing. Allele origin: germline.
Comment: This sequence change replaces valine with methionine at codon 1393 of the ALS2 protein (p.Val1393Met). The valine residue is highly conserved and there is a small physicochemical difference between valine and methionine. This variant is present in population databases (rs757128191, ExAC 0.006%). This variant has not been reported in the literature in individuals affected with ALS2-related conditions. Algorithms developed to predict the effect of missense changes on protein structure and function are either unavailable or do not agree on the potential impact of this missense change (SIFT: "Deleterious"; PolyPhen-2: "Possibly Damaging"; Align-GVGD: "Class C0"). In summary, the available evidence is currently insufficient to determine the role of this variant in disease. Therefore, it has been classified as a Variant of Uncertain Significance.